The following is an entry in ClinVar:

NM_152268.4(PARS2):c.1114G>A (p.Ala372Thr)

Gene: PARS2 (prolyl-tRNA synthetase 2, mitochondrial; minus strand). Cytogenetic location: 1p32.3.
Variant type: single nucleotide variant.
Coding change: c.1114G>A on transcript NM_152268.4 (MANE Select); coding-DNA position 1114, G replaced by A.
Protein change: p.Ala372Thr; replaces alanine 372 with threonine.
Molecular consequence: missense variant.
Genome position (GRCh38, 1-based): chr1:54,758,048, C>T on the plus strand (G>A on the coding strand, the complement: PARS2 is on the minus strand). VCF-style: chr1-54758048-C-T. GRCh37 (hg19) VCF-style: chr1-55223721-C-T.
Other names: short protein forms A372T.
Identifiers: ClinVar variation 998644 (VCV000998644.14), dbSNP rs759058241, ClinGen allele CA869360.
Genomic context (GRCh38, chr1:54,758,048, plus strand): 5'-GCCCTATGAGCTCGGAGGCCGCCTGCTCCTTACTGCCCTTCTTAGGGGGGATGAGGCAGG[C>T]TTGGTAAGGGGCCAGTAGGCTGGGCCAGCGGACACAGTCTTCTGTAGAGAGGACTTCAAT-3'
Protein context (NP_689481.2, residues 362-382): RWPSLLAPYQ[Ala372Thr]CLIPPKKGSK

ClinVar aggregate classification (germline): Uncertain significance. Review status: criteria provided, multiple submitters, no conflicts (2 of 4 stars). 5 submissions from 5 submitters: Uncertain significance (5). Last evaluated 2026-09-25.

Conditions:
Inborn genetic diseases. Identifiers: MedGen C0950123, MeSH D030342.

Allele frequency attached by ClinVar (database versions not stated): TOPMed 0.00005; gnomAD exomes 0.00008 and 0.00009; ExAC 0.00012; gnomAD 0.00004.
gnomAD v4.1: 124 of 1,613,820 alleles (0.0077%); highest among the groups gnomAD compares: Middle Eastern, 0.2%; no homozygotes.

Submissions (5):

GeneDx
Classification: Uncertain significance. Last evaluated: 2026-09-25. Review status: criteria provided, single submitter. Criteria: GeneDx Variant Classification Process June 2021. Collection method: clinical testing. Allele origin: germline.
Comment: Has not been previously published as pathogenic or benign to our knowledge; In silico analysis suggests that this missense variant does not alter protein structure/function

Ambry Genetics
Classification: Uncertain significance for Inborn genetic diseases. Last evaluated: 2025-12-02. Review status: criteria provided, single submitter. Criteria: Ambry Variant Classification Scheme 2023. Collection method: clinical testing. Allele origin: germline.

Labcorp Genetics (formerly Invitae), Labcorp
Classification: Uncertain significance. Last evaluated: 2025-06-20. Review status: criteria provided, single submitter. Criteria: Invitae Variant Classification Sherloc (09022015). Collection method: clinical testing. Allele origin: germline.
Comment: This sequence change replaces alanine, which is neutral and non-polar, with threonine, which is neutral and polar, at codon 372 of the PARS2 protein (p.Ala372Thr). This variant is present in population databases (rs759058241, gnomAD 0.02%). This variant has not been reported in the literature in individuals affected with PARS2-related conditions. ClinVar contains an entry for this variant (Variation ID: 998644). An algorithm developed to predict the effect of missense changes on protein structure and function (PolyPhen-2) suggests that this variant is likely to be tolerated. In summary, the available evidence is currently insufficient to determine the role of this variant in disease. Therefore, it has been classified as a Variant of Uncertain Significance.

Blueprint Genetics
Classification: Uncertain significance. Last evaluated: 2024-11-07. Review status: criteria provided, single submitter. Criteria: ACMG Guidelines, 2015. Collection method: clinical testing. Allele origin: germline.

Breakthrough Genomics
Classification: Uncertain significance. Review status: criteria provided, single submitter. Criteria: ACMG Guidelines, 2015. Collection method: not provided. Allele origin: germline. Inheritance: Autosomal recessive inheritance. Affected: yes.